The following is an entry in ClinVar:

NM_000518.5(HBB):c.380T>G (p.Val127Gly)

Genes: HBB (hemoglobin subunit beta; minus strand), LOC107133510 (origin of replication at HBB; plus strand), LOC110006319 (beta-globin gene 3' regulatory region; plus strand). Cytogenetic location: 11p15.4.
Variant type: single nucleotide variant.
Coding change: c.380T>G on transcript NM_000518.5 (MANE Select); coding-DNA position 380, T replaced by G.
Protein change: p.Val127Gly; replaces valine 127 with glycine.
Molecular consequence: missense variant.
Genome position (GRCh38, 1-based): chr11:5,225,662, A>C on the plus strand (T>G on the coding strand, the complement: HBB is on the minus strand). VCF-style: chr11-5225662-A-C. GRCh37 (hg19) VCF-style: chr11-5246892-A-C.
Other names: V126G; Hb Dhonburi; Hb Neapolis; CD 126 GTG>GGG; short protein forms V127G.
Identifiers: ClinVar variation 15483 (VCV000015483.32), dbSNP rs33925391, ClinGen allele CA125340.

ClinVar aggregate classification (germline): Uncertain significance. Review status: reviewed by expert panel (3 of 4 stars). 10 submissions from 10 submitters: Uncertain significance (1). 9 of the submissions do not count toward it. Last evaluated 2026-04-30.

Conditions:
Beta-thalassemia HBB/LCRB. Identifiers: MedGen CN322236, MONDO:0013517, OMIM 613985.
Hemoglobinopathy. Also called: Hemoglobin disorder; Haemoglobinopathies. Identifiers: MedGen C0019045, MONDO:0044348.
beta Thalassemia (BTHAL). Also called: Cooley's anemia; Erythroblastic anemia; Mediterranean anemia. Identifiers: Orphanet 848, MedGen C0005283, MONDO:0019402. Disease mechanism: loss of function.
Beta thalassemia intermedia (BTHAL-ITMD). Identifiers: Orphanet 231222, MedGen C0472767, MONDO:0016487.

gnomAD v4.1: 3 of 1,614,070 alleles (0.00019%); highest among the groups gnomAD compares: South Asian, 0.0011%; no homozygotes.

Submissions 1 to 5 of 10:

ClinGen Hemoglobinopathy Variant Curation Expert Panel, ClinGen
Classification: Uncertain significance for Beta-thalassemia HBB/LCRB. Last evaluated: 2026-04-30. Review status: reviewed by expert panel. Criteria: ClinGen Hb Opathy ACMG Specifications HBB V1.0.0. Collection method: curation. Allele origin: germline. Inheritance: Autosomal recessive inheritance.
Comment: The c.380T>G (p.Val127Gly) variant in the HBB gene is a missense variant predicted to cause substitution of valine by glycine at amino acid 127 (p.Val127Gly). This variant has been reported in 4 unrelated individuals displaying a hematological phenotype consistent with beta-thalassemia trait with reduced MCV (<79 fl), MCH (<27 pg) and increased HbA2 (>3.5%), giving a total score of 6 [PS4; PMID: 17606453; 1954392; 17007829]. This variant has been detected in three individuals with mild thalassemia intermedia. All were compound heterozygous for the variant and a pathogenic variant (VCV000015447.40, VCV000015161.45, VCV000015061.3; classified as pathogenic by VCEP expert consensuss), confirmed in trans by family studies and DNA analysis. Total PM3 points are 3 [PM3_S; PMID: 17007829; 9028819]. The variant has been reported to segregate with a mild thalassemia intermedia phenotype in 3 affected family members from 3 families. All individuals were compound heterozygotes with another pathogenic variant and were confirmed in trans by family testing and DNA analysis. The total number of unaffected segregations is 3. The LOD score is 1.58 [PP1_M; PMID: 17007829; 9028819]. The minor allele frequency in gnomAD v4.1 is 0.000001859 (3/1614070 alleles), which is lower than the ClinGen Hemoglobinopathy VCEP threshold <0.0001 for PM2_Supporting, and therefore meets this criterion [PM2_P]. Functional assays showed that the Hb variant is unstable in the heat stability and isopropanol precipitation tests, indicating that it impacts protein function [PS3_P; PMID: 1954392]. On the other hand, the results from two in silico predictors, REVEL (score 0.67; VCEP threshold <0.7) and SpliceAI (Δ score 0; VCEP threshold ≤0.3), suggest that this variant is not expected to impact HBB function [BP4]. Due to conflicting evidence, this variant is classified as a variant of uncertain significance for beta-thalassemia HBB/LCRB (MONDO:0013517) in an autosomal recessive manner based on the ACMG/AMP criteria applied, as specified by the ClinGen Hemoglobinopathy VCEP (specification version 1.0.0): PM3_S, PS4, PP1_M, PM2_P, PS3_P, BP4

Natera, Inc.
Classification: Likely pathogenic for Beta thalassemia. Last evaluated: 2025-06-12. Review status: criteria provided, single submitter. Criteria: Natera Variant Classification Schema (03/2026). Collection method: clinical testing. Allele origin: germline. Not counted in ClinVar's aggregate classification.
Comment: The c.380T>G variant in HBB is a missense variant predicted to cause substitution of valine to glycine at amino acid 127. This variant is rare in the general population with a frequency below the threshold expected for the associated phenotype(s). This variant has been observed in one or more individuals affected with the associated recessive disease, as either homozygous or compound heterozygous with a second variant (PMID: 17007829, 7530406, 1463768, 17606453, 17606453, 9028819). Given the available evidence, this variant is classified as Likely Pathogenic.

Women's Health and Genetics/Laboratory Corporation of America, LabCorp
Classification: Pathogenic for Beta thalassemia intermedia. Last evaluated: 2025-05-09. Review status: criteria provided, single submitter. Criteria: LabCorp Variant Classification Summary - May 2015. Collection method: clinical testing. Allele origin: germline. Not counted in ClinVar's aggregate classification.
Comment: Variant summary: HBB c.380T>G (p.Val127Gly) results in a non-conservative amino acid change in the encoded protein sequence. Algorithms developed to predict the effect of missense changes on protein structure and function are either unavailable or do not agree on the potential impact of this missense change. The variant was absent in 251316 control chromosomes. However, it was detected in several clinically silent carriers in Italy and certain parts of Asia (Pagano_1991, Pagano_2007, Moghimi_2004, Viprakasit_2007, He_2017, Mankhemthong_2019). c.380T>G has been reported in the literature in multiple compound heterozygous individuals affected with Beta Thalassemia Intermedia, who also carried another HBB disease variant (usually for beta0 or severe beta+ thalassemia) in trans (e.g. Bardakdjian-Michau_1990, Divoky_1992, Pagano_2007). Compound heterozygous individuals who carried the variant of interest with the HbE variant (c.79G>A/p.Glu27Lys) in trans, were either reported as clinically silent (Bardakdjian-Michau_1990), or affected only with a mild beta thalassemia intermedia (Viprakasit_2007). The variant was also reported in a patient, who carried the Hb Lepore-Boston variant and was affected with a mild thalassemia intermedia (Pagano_1997). These data indicate that the variant is very likely to be associated with disease. The variant protein was demonstrated to be unstable under certain in vitro conditions (Pagano_1991, Divoky_1992). The following publications have been ascertained in the context of this evaluation (PMID: 2399911, 31589614, 1463768, 11532628, 28125089, 31240559, 15658193, 1954392, 17606453, 9028819, 19460936, 17007829). ClinVar contains an entry for this variant (Variation ID: 15483). Based on the evidence outlined above, the variant was classified as pathogenic.

Quest Diagnostics Nichols Institute San Juan Capistrano
Classification: Pathogenic. Last evaluated: 2024-12-17. Review status: criteria provided, single submitter. Criteria: Quest Diagnostics criteria. Collection method: clinical testing. Allele origin: unknown. Not counted in ClinVar's aggregate classification.
Comment: The HBB c.380T>G (p.Val127Gly) variant (also known as Hb Dhonburi or Hb Neapolis) has been reported to be unstable (PMID: 2399911 (1990)), and identified in multiple individuals with beta-thalassemia (PMID: 35543019 (2022), 31240559 (2019), 28125089 (2017), 28125089 (2017), 2399911 (1990), 19460936 (2009), 1954392 (1991), 1463768 (1992), 7530406 (1995), 9028819 (1997)). This variant has not been reported in large, multi-ethnic general populations (Genome Aggregation Database). Based on the available information, this variant is classified as pathogenic.

ARUP Laboratories, Molecular Genetics and Genomics, ARUP Laboratories
Classification: Likely pathogenic. Last evaluated: 2023-11-22. Review status: criteria provided, single submitter. Criteria: ARUP Molecular Germline Variant Investigation Process 2024. Collection method: clinical testing. Allele origin: germline. Not counted in ClinVar's aggregate classification.
Comment: The Hb Dhonburi (Neapolis) variant (HBB: c.380T>G p.Val127Gly, also known as Val126Gly when numbered from the mature protein, rs33925391, HbVar ID: 521) has been reported in the heterozygous state in individuals with mild microcytosis and hypochromia (see HbVar link, Divoky 1992, Khamphikham 2022, Moghimi 2004). This variant is reported in ClinVar (Variation ID: 15483). This variant is also absent from the Genome Aggregation Database (v2.1.1), indicating it is not a common polymorphism. Hb Dhonburi is electrophoretically silent, but is reported to be mildly unstable in non-physiologic conditions (Bardakdjian-Michau 1990, Pagano 1991). This variant has been associated with a mild beta thalassemia phenotype with variable clinical presentation when in combination with a beta(0) HBB variant on the opposite chromosome (Bardakdjian-Michau 1990). However, an individual from the same family who was compound heterozygous for Hb E/Hb Dhonburi had hematological findings that could be explained by Hb E alone. Computational analyses are uncertain whether this variant is neutral or deleterious (REVEL: 0.67). Based on available information, the Hb Dhonburi variant is likely to be a mildly unstable structural variant and is considered likely pathogenic. References: Link to HbVar database: Bardakdjian-Michau J et al. Hemoglobin Dhonburi alpha 2 beta 2 126 (H4) Val----Gly: a new unstable beta variant producing a beta-thalassemia intermedia phenotype in association with beta zero-thalassemia. Am J Hematol. 1990 Oct;35(2):96-9. PMID: 2399911. Divoky V et al. Heterozygosity for the IVS-I-5 (G-->C) mutation with a G-->A change at codon 18 (Val-->Met; Hb Baden) in cis and a T-->G mutation at codon 126 (Val-->Gly; Hb Dhonburi) in trans resulting in a thalassemia intermedia. Biochim Biophys Acta. 1992 Dec 10;1180(2):173-9. PMID: 1463768. Khamphikham P et al. Strong Positive Dichlorophenolindophenol Precipitation Suggests Hb Dhonburi (or Hb Neapolis) (HBB: c.380T>G) Inheritance in a Couple at Risk for Severe ß-Thalassemia. Hemoglobin. 2022 May;46(3):184-186. PMID: 35543019. Moghimi B et al. Hb Dhonburi (Neapolis) [beta126(H4)Val-->Gly] identified in a family from northern Iran. Hemoglobin. 2004;28(4):353-6. PMID: 15658193. Pagano L et al. Hemoglobin Neapolis, beta 126(H4)Val----Gly: a novel beta-chain variant associated with a mild beta-thalassemia phenotype and displaying anomalous stability features. Blood. 1991 Dec 1;78(11):3070-5. PMID: 1954392.